The following is an entry in ClinVar:

NM_207361.6(FREM2):c.5677G>T (p.Val1893Phe)

Gene: FREM2 (FRAS1 related extracellular matrix 2; plus strand). Cytogenetic location: 13q13.3.
Variant type: single nucleotide variant.
Coding change: c.5677G>T on transcript NM_207361.6 (MANE Select); coding-DNA position 5677, G replaced by T.
Protein change: p.Val1893Phe; replaces valine 1893 with phenylalanine.
Molecular consequence: missense variant.
Genome position (GRCh38, 1-based): chr13:38,783,105, G>T. VCF-style: chr13-38783105-G-T. GRCh37 (hg19) VCF-style: chr13-39357242-G-T.
Other names: short protein forms V1893F.
Identifiers: ClinVar variation 1980524 (VCV001980524.1), dbSNP rs548177107, ClinGen allele CA6955318.
Genomic context (GRCh38, chr13:38,783,105, plus strand): 5'-GCTTGCAATTGTGTTTTCTCTCTAGAGCCAACTGTGTTTATTCCCCAGTCCAAATACTCC[G>T]TTGAAGAAGATGTTGGTGAGCTGTTCATTCCCATCAGGAGGAGCGGAGATGTGAGCCAGG-3'
Protein context (NP_997244.4, residues 1883-1903): TVFIPQSKYS[Val1893Phe]EEDVGELFIP

ClinVar aggregate classification (germline): Uncertain significance (1 of 4 stars; one submission).

gnomAD v4.1: 11 of 1,613,732 alleles (0.00068%); highest among the groups gnomAD compares: African/African-American, 0.012%; no homozygotes.

Submission:

Labcorp Genetics (formerly Invitae), Labcorp
Classification: Uncertain significance. Last evaluated: 2022-08-19. Review status: criteria provided, single submitter. Criteria: Invitae Variant Classification Sherloc (09022015). Collection method: clinical testing. Allele origin: germline.
Comment: This sequence change replaces valine, which is neutral and non-polar, with phenylalanine, which is neutral and non-polar, at codon 1893 of the FREM2 protein (p.Val1893Phe). This variant is present in population databases (rs548177107, gnomAD 0.03%). This variant has not been reported in the literature in individuals affected with FREM2-related conditions. Algorithms developed to predict the effect of missense changes on protein structure and function are either unavailable or do not agree on the potential impact of this missense change (SIFT: "Deleterious"; PolyPhen-2: "Benign"; Align-GVGD: "Class C0"). In summary, the available evidence is currently insufficient to determine the role of this variant in disease. Therefore, it has been classified as a Variant of Uncertain Significance.